The following is an entry in ClinVar:

NM_016203.4(PRKAG2):c.466+7C>A

Gene: PRKAG2 (protein kinase AMP-activated non-catalytic subunit gamma 2; minus strand). Cytogenetic location: 7q36.1.
Variant type: single nucleotide variant.
Coding change: c.466+7C>A on transcript NM_016203.4 (MANE Select); 7 bases into the intron after coding-DNA position 466, C replaced by A.
Molecular consequence: intron variant.
Genome position (GRCh38, 1-based): chr7:151,781,145, G>T on the plus strand (C>A on the coding strand, the complement: PRKAG2 is on the minus strand). VCF-style: chr7-151781145-G-T. GRCh37 (hg19) VCF-style: chr7-151478231-G-T.
Other names: c.334+7C>A (NM_001040633.2).
Identifiers: ClinVar variation 45720 (VCV000045720.9), dbSNP rs397517272, ClinGen allele CA014230.

ClinVar aggregate classification (germline): Likely benign. Review status: criteria provided, multiple submitters, no conflicts (2 of 4 stars). 2 submissions from 2 submitters: Likely benign (2). Last evaluated 2025-04-23.

Conditions:
Lethal congenital glycogen storage disease of heart. Also called: GLYCOGEN STORAGE DISEASE OF HEART; PHOSPHORYLASE KINASE DEFICIENCY OF HEART. Identifiers: Orphanet 439854, MedGen C1849813, MONDO:0009867, OMIM 261740.

Allele frequency attached by ClinVar (database versions not stated): gnomAD exomes below 0.00001; gnomAD 0.00001.
gnomAD v4.1: 3 of 1,613,736 alleles (0.00019%); highest among the groups gnomAD compares: African/African-American, 0.004%; no homozygotes.

Submissions (2):

Labcorp Genetics (formerly Invitae), Labcorp
Classification: Likely benign for Lethal congenital glycogen storage disease of heart. Last evaluated: 2025-04-23. Review status: criteria provided, single submitter. Criteria: Invitae Variant Classification Sherloc (09022015). Collection method: clinical testing. Allele origin: germline.

Laboratory for Molecular Medicine, Mass General Brigham Personalized Medicine
Classification: Likely benign. Last evaluated: 2011-03-14. Review status: criteria provided, single submitter. Criteria: LMM Criteria. Collection method: clinical testing. Allele origin: germline. Observed: 1 variant allele.
Comment: 466+7C>A in exon 3 of PRKAG2: This variant is not expected to have clinical sig nificance because it is not located in the conserved region of the splicing cons ensus sequence.